The following is an entry in ClinVar:

ClinVar aggregate classification (germline): Likely pathogenic. Review status: criteria provided, single submitter (1 of 4 stars). 2 submissions from 2 submitters: Likely pathogenic (1). 1 of the submissions does not count toward it. Last evaluated 2023-01-31.

Conditions:
Pelizaeus-Merzbacher disease. Also called: LEUKODYSTROPHY, HYPOMYELINATING, 1; Sudanophilic leukodystrophy; Pelizeaus-Merzbacher spectrum disorder; Pelizaeus-Merzbacher spectrum disorder; Pelizaeus-Merzbacher Disease (PMD). Identifiers: Orphanet 702, MedGen C0205711, MONDO:0010714, OMIM 312080, HP:0003269.

Submissions (2):

GeneDx
Classification: Likely pathogenic. Last evaluated: 2023-01-31. Review status: criteria provided, single submitter. Criteria: GeneDx Variant Classification Process June 2021. Collection method: clinical testing. Allele origin: germline. Affected: yes.
Comment: Not observed at significant frequency in large population cohorts (gnomAD); Missense variants in this gene are often considered pathogenic (HGMD); In silico analysis supports that this missense variant has a deleterious effect on protein structure/function; This variant is associated with the following publications: (PMID: 10417279, 31178897)

Biochemistry Laboratory of CDMU, Chengde Medical University
Classification: Likely pathogenic for Pelizaeus-Merzbacher disease. Review status: no assertion criteria provided. Criteria: ACMG Guidelines, 2015. Collection method: case-control. Allele origin: inherited. Affected: yes. Not counted in ClinVar's aggregate classification.

NM_000533.5(PLP1):c.104G>A (p.Cys35Tyr)

Genes: PLP1 (proteolipid protein 1; plus strand), RAB9B (RAB9B, member RAS oncogene family; minus strand). Cytogenetic location: Xq22.2.
Variant type: single nucleotide variant.
Coding change: c.104G>A on transcript NM_000533.5 (MANE Select); coding-DNA position 104, G replaced by A.
Protein change: p.Cys35Tyr; replaces cysteine 35 with tyrosine.
Molecular consequence: missense variant. On other transcripts: intron variant (1).
Genome position (GRCh38, 1-based): chrX:103,785,681, G>A. VCF-style: chrX-103785681-G-A. GRCh37 (hg19) VCF-style: chrX-103040610-G-A.
Other names: c.104G>A, p.Cys35Tyr (NM_001128834.3, NM_199478.3); c.5-66G>A (NM_001305004.1); short protein forms C35Y.
Identifiers: ClinVar variation 626281 (VCV000626281.4), dbSNP rs1569427275, ClinGen allele CA414102070.